The following is an entry in ClinVar:

NM_004656.4(BAP1):c.1587_1594delinsCACACCTCCCACA (p.Lys529fs)

Gene: BAP1 (BRCA1 associated deubiquitinase 1; minus strand). Cytogenetic location: 3p21.1.
Variant type: Indel.
Coding change: c.1587_1594delinsCACACCTCCCACA on transcript NM_004656.4 (MANE Select); coding-DNA positions 1587 to 1594, GGTGCTTT replaced by CACACCTCCCACA.
Protein change: p.Lys529fs; shifts the reading frame from lysine 529.
Molecular consequence: frameshift variant.
Genome position (GRCh38, 1-based): chr3:52,403,551-52,403,558, AAAGCACC replaced by TGTGGGAGGTGTG on the plus strand (GGTGCTTT replaced by CACACCTCCCACA on the coding strand, the reverse complement: BAP1 is on the minus strand). VCF-style: chr3-52403551-AAAGCACC-TGTGGGAGGTGTG. GRCh37 (hg19) VCF-style: chr3-52437567-AAAGCACC-TGTGGGAGGTGTG.
Other names: short protein forms K529fs.
Identifiers: ClinVar variation 819549 (VCV000819549.4), dbSNP rs1578220452, ClinGen allele CA915942469.

ClinVar aggregate classification (germline): Pathogenic (1 of 4 stars; one submission).

Conditions:
Hereditary cancer-predisposing syndrome. Also called: Neoplastic Syndromes, Hereditary; Tumor predisposition; Hereditary Cancer Syndrome; Hereditary neoplastic syndrome. Identifiers: Orphanet 140162, MedGen C0027672, MeSH D009386, MONDO:0015356.

Submission:

Ambry Genetics
Classification: Pathogenic for Hereditary cancer-predisposing syndrome. Last evaluated: 2018-12-27. Review status: criteria provided, single submitter. Criteria: Ambry Variant Classification Scheme 2023. Collection method: clinical testing. Allele origin: germline.
Comment: The c.1587_1594delGGTGCTTTins13 pathogenic mutation, located in coding exon 13 of the BAP1 gene, results from the deletion of 8 nucleotides and insertion of 13 nucleotides causing a translational frameshift with a predicted alternate stop codon (p.K529Nfs*44). This alteration is expected to result in loss of function by premature protein truncation or nonsense-mediated mRNA decay. As such, this alteration is interpreted as a disease-causing mutation.